The following is an entry in ClinVar:

ClinVar aggregate classification (germline): Uncertain significance (1 of 4 stars; one submission).

Submission:

Labcorp Genetics (formerly Invitae), Labcorp
Classification: Uncertain significance. Last evaluated: 2022-10-26. Review status: criteria provided, single submitter. Criteria: Invitae Variant Classification Sherloc (09022015). Collection method: clinical testing. Allele origin: germline.
Comment: This sequence change replaces leucine, which is neutral and non-polar, with arginine, which is basic and polar, at codon 415 of the SAMD9 protein (p.Leu415Arg). This variant is not present in population databases (gnomAD no frequency). This variant has not been reported in the literature in individuals affected with SAMD9-related conditions. Advanced modeling of protein sequence and biophysical properties (such as structural, functional, and spatial information, amino acid conservation, physicochemical variation, residue mobility, and thermodynamic stability) has been performed at Invitae for this missense variant, however the output from this modeling did not meet the statistical confidence thresholds required to predict the impact of this variant on SAMD9 protein function. In summary, the available evidence is currently insufficient to determine the role of this variant in disease. Therefore, it has been classified as a Variant of Uncertain Significance.

NM_017654.4(SAMD9):c.1244T>G (p.Leu415Arg)

Gene: SAMD9 (sterile alpha motif domain containing 9; minus strand). Cytogenetic location: 7q21.2.
Variant type: single nucleotide variant.
Coding change: c.1244T>G on transcript NM_017654.4 (MANE Select); coding-DNA position 1244, T replaced by G.
Protein change: p.Leu415Arg; replaces leucine 415 with arginine.
Molecular consequence: missense variant.
Genome position (GRCh38, 1-based): chr7:93,104,854, A>C on the plus strand (T>G on the coding strand, the complement: SAMD9 is on the minus strand). VCF-style: chr7-93104854-A-C. GRCh37 (hg19) VCF-style: chr7-92734167-A-C.
Other names: c.1244T>G, p.Leu415Arg (NM_001193307.2); short protein forms L415R.
Identifiers: ClinVar variation 1721889 (VCV001721889.3), dbSNP rs2535360889, ClinGen allele CA368198176.